The following is an entry in ClinVar:

NM_001374353.1(GLI2):c.1427A>G (p.His476Arg)

Gene: GLI2 (GLI family zinc finger 2; plus strand). Cytogenetic location: 2q14.2.
Variant type: single nucleotide variant.
Coding change: c.1427A>G on transcript NM_001374353.1 (MANE Select); coding-DNA position 1427, A replaced by G.
Protein change: p.His476Arg; replaces histidine 476 with arginine.
Molecular consequence: missense variant.
Genome position (GRCh38, 1-based): chr2:120,978,543, A>G. VCF-style: chr2-120978543-A-G. GRCh37 (hg19) VCF-style: chr2-121736119-A-G.
Other names: c.1478A>G, p.His493Arg (NM_001371271.1, NM_005270.5); c.1052A>G, p.His351Arg (NM_001374354.1); short protein forms H351R, H476R, H493R.
Identifiers: ClinVar variation 3068372 (VCV003068372.1), dbSNP rs2467727114, ClinGen allele CA348161612.
Genomic context (GRCh38, chr2:120,978,543, plus strand): 5'-GCTGGCAGGCCTGCACGCGGGAGCAGAAGCCCTTCAAGGCGCAGTACATGCTGGTGGTGC[A>G]CATGCGGCGACACACGGGCGAGAAGCCCCACAAGTGCACGGTGAGTGGCCTTCTCCCCAC-3'
Protein context (NP_001361282.1, residues 466-486): PFKAQYMLVV[His476Arg]MRRHTGEKPH

ClinVar aggregate classification (germline): Likely pathogenic (1 of 4 stars; one submission).

Conditions:
Postaxial polydactyly-anterior pituitary anomalies-facial dysmorphism syndrome. Also called: Culler-Jones syndrome. Identifiers: Orphanet 420584, MedGen C4014479, MONDO:0014369, OMIM 615849.

Submission:

MVZ Medizinische Genetik Mainz
Classification: Likely pathogenic for Postaxial polydactyly-anterior pituitary anomalies-facial dysmorphism syndrome. Last evaluated: 2023-05-02. Review status: criteria provided, single submitter. Criteria: UK Practice Guidelines For Variant Classification V4 01 2020. Collection method: clinical testing. Allele origin: germline. Inheritance: Autosomal dominant inheritance. Affected: yes. Observed: 1 variant allele.
Comment: ACMG Criteria: PP3_STR,PM2_SUP